The following is an entry in ClinVar:

NM_017612.5(ZCCHC8):c.1429C>G (p.Arg477Gly)

Gene: ZCCHC8 (zinc finger CCHC-type containing 8; minus strand). Cytogenetic location: 12q24.31.
Variant type: single nucleotide variant.
Coding change: c.1429C>G on transcript NM_017612.5 (MANE Select); coding-DNA position 1429, C replaced by G.
Protein change: p.Arg477Gly; replaces arginine 477 with glycine.
Molecular consequence: missense variant.
Genome position (GRCh38, 1-based): chr12:122,474,192, G>C on the plus strand (C>G on the coding strand, the complement: ZCCHC8 is on the minus strand). VCF-style: chr12-122474192-G-C. GRCh37 (hg19) VCF-style: chr12-122958739-G-C.
Other names: c.1198C>G, p.Arg400Gly (NM_001350935.2); c.1132C>G, p.Arg378Gly (NM_001350936.2); c.715C>G, p.Arg239Gly (NM_001350937.2, NM_001350938.2); short protein forms R378G, R239G, R400G, R477G.
Identifiers: ClinVar variation 1961026 (VCV001961026.6), dbSNP rs750242474, ClinGen allele CA6846176.

ClinVar aggregate classification (germline): Uncertain significance. Review status: criteria provided, multiple submitters, no conflicts (2 of 4 stars). 2 submissions from 2 submitters: Uncertain significance (2). Last evaluated 2025-04-07.

Submissions (2):

Labcorp Genetics (formerly Invitae), Labcorp
Classification: Uncertain significance. Last evaluated: 2025-04-07. Review status: criteria provided, single submitter. Criteria: Invitae Variant Classification Sherloc (09022015). Collection method: clinical testing. Allele origin: germline.
Comment: This sequence change replaces arginine, which is basic and polar, with glycine, which is neutral and non-polar, at codon 477 of the ZCCHC8 protein (p.Arg477Gly). This variant is present in population databases (rs750242474, gnomAD 0.008%). This variant has not been reported in the literature in individuals affected with ZCCHC8-related conditions. ClinVar contains an entry for this variant (Variation ID: 1961026). Invitae Evidence Modeling of protein sequence and biophysical properties (such as structural, functional, and spatial information, amino acid conservation, physicochemical variation, residue mobility, and thermodynamic stability) indicates that this missense variant is not expected to disrupt ZCCHC8 protein function with a negative predictive value of 80%. In summary, the available evidence is currently insufficient to determine the role of this variant in disease. Therefore, it has been classified as a Variant of Uncertain Significance.

Ambry Genetics
Classification: Uncertain significance. Last evaluated: 2022-05-11. Review status: criteria provided, single submitter. Criteria: Ambry Variant Classification Scheme 2023. Collection method: clinical testing. Allele origin: germline.